The following is an entry in ClinVar:

ClinVar aggregate classification (germline): Uncertain significance (1 of 4 stars; one submission).

Conditions:
Hearing loss, autosomal dominant 90. Also called: Deafness, autosomal dominant 90. Identifiers: MedGen C5935579, MONDO:0958232, OMIM 620722.
Autosomal recessive nonsyndromic hearing loss 30. Identifiers: Orphanet 90636, MedGen C1846784, MONDO:0011774, OMIM 607101.

Submission:

Juno Genomics, Hangzhou Juno Genomics, Inc
Classification: Uncertain significance for Autosomal recessive nonsyndromic hearing loss 30; Hearing loss, autosomal dominant 90. Review status: criteria provided, single submitter. Criteria: ACMG Guidelines, 2015. Collection method: clinical testing. Allele origin: germline.
Comment: Absent from controls (or at extremely low frequency if recessive) in Genome Aggregation Database.;Multiple lines of computational evidence support a deleterious effect on the gene or gene product.

NM_017433.5(MYO3A):c.1460T>G (p.Phe487Cys)

Gene: MYO3A (myosin IIIA; plus strand). Cytogenetic location: 10p12.1.
Variant type: single nucleotide variant.
Coding change: c.1460T>G on transcript NM_017433.5 (MANE Select); coding-DNA position 1460, T replaced by G.
Protein change: p.Phe487Cys; replaces phenylalanine 487 with cysteine.
Molecular consequence: missense variant.
Genome position (GRCh38, 1-based): chr10:26,088,303, T>G. VCF-style: chr10-26088303-T-G. GRCh37 (hg19) VCF-style: chr10-26377232-T-G.
Other names: short protein forms F487C.
Identifiers: ClinVar variation 5007701 (VCV005007701.2).